The following is an entry in ClinVar:

ClinVar aggregate classification (germline): Pathogenic (1 of 4 stars; one submission).

Conditions:
Atrial fibrillation, familial, 18 (ATFB18). Identifiers: MedGen C4310636, MONDO:0015001, OMIM 617280.

Submission:

Labcorp Genetics (formerly Invitae), Labcorp
Classification: Pathogenic for Atrial fibrillation, familial, 18. Last evaluated: 2024-06-11. Review status: criteria provided, single submitter. Criteria: Invitae Variant Classification Sherloc (09022015). Collection method: clinical testing. Allele origin: germline.
Comment: This sequence change creates a premature translational stop signal (p.Phe63Thrfs*8) in the MYL4 gene. It is expected to result in an absent or disrupted protein product. Loss-of-function variants in MYL4 are known to be pathogenic (PMID: 25807286, 27742809). This variant is not present in population databases (gnomAD no frequency). This variant has not been reported in the literature in individuals affected with MYL4-related conditions. For these reasons, this variant has been classified as Pathogenic.

Literature cited by the submitters: PubMed 25807286; PubMed 27742809.

NM_002476.2(MYL4):c.187_190del (p.Phe63fs)

Gene: MYL4 (myosin light chain 4; plus strand). Cytogenetic location: 17q21.32.
Variant type: Deletion.
Coding change: c.187_190del on transcript NM_002476.2 (MANE Select); coding-DNA positions 187 to 190, 4 bases deleted (TTTG; older notation c.187_190delTTTG).
Protein change: p.Phe63fs; shifts the reading frame from phenylalanine 63.
Molecular consequence: frameshift variant.
Genome position (GRCh38, 1-based): chr17:47,219,927-47,219,930, TTTG deleted; deleting any 4 consecutive bases within chr17:47,219,924-47,219,930 gives the same sequence; the c. name uses the placement nearest the transcript's 3' end. VCF-style (leftmost placement, unchanged base first): chr17-47219923-ATTGT-A. GRCh37 (hg19) VCF-style: chr17-45297289-ATTGT-A.
Other names: c.187_190del, p.Phe63fs (NM_001002841.2); short protein forms F63fs.
Identifiers: ClinVar variation 3656250 (VCV003656250.2).
Genomic context (GRCh38, chr17:47,219,923, plus strand): 5'-CACTGGGGATTGGAAGGTATAGCTGGGTCTTCTCTCCACAGAGTTCAAAGAGGCCTTTTC[ATTGT>A]TTGACCGGACCCCGACTGGAGAGATGAAGATCACCTACGGCCAGTGCGGGGATGTACTGC-3'